The following is an entry in ClinVar:

NM_012208.4(HARS2):c.209A>G (p.His70Arg)

Gene: HARS2 (histidyl-tRNA synthetase 2, mitochondrial; plus strand). Cytogenetic location: 5q31.3.
Variant type: single nucleotide variant.
Coding change: c.209A>G on transcript NM_012208.4 (MANE Select); coding-DNA position 209, A replaced by G.
Protein change: p.His70Arg; replaces histidine 70 with arginine.
Molecular consequence: missense variant. On other transcripts: 5 prime UTR variant (2).
Genome position (GRCh38, 1-based): chr5:140,693,960, A>G. VCF-style: chr5-140693960-A-G. GRCh37 (hg19) VCF-style: chr5-140073545-A-G.
Other names: c.134A>G, p.His45Arg (NM_001278731.2); c.-2A>G (NM_001278732.2, NM_001363536.2); c.227A>G, p.His76Arg (NM_001363535.2); short protein forms H45R, H70R, H76R.
Identifiers: ClinVar variation 4685077 (VCV004685077.1).

ClinVar aggregate classification (germline): Uncertain significance (1 of 4 stars; one submission).

gnomAD v4.1: 20 of 1,613,950 alleles (0.0012%); highest among the groups gnomAD compares: Admixed American, 0.0017%; no homozygotes.

Submission:

GeneDx
Classification: Uncertain significance. Last evaluated: 2025-07-10. Review status: criteria provided, single submitter. Criteria: GeneDx Variant Classification Process June 2021. Collection method: clinical testing. Allele origin: germline. Affected: yes.
Comment: Not observed at significant frequency in large population cohorts (gnomAD); In silico analysis suggests that this missense variant does not alter protein structure/function; Has not been previously published as pathogenic or benign to our knowledge